The following is an entry in ClinVar:

ClinVar aggregate classification (germline): Pathogenic (1 of 4 stars; one submission).

Conditions:
Hereditary cancer-predisposing syndrome. Also called: Hereditary neoplastic syndrome; Hereditary Cancer Syndrome; Neoplastic Syndromes, Hereditary; Tumor predisposition. Identifiers: Orphanet 140162, MedGen C0027672, MeSH D009386, MONDO:0015356.

Submission:

Ambry Genetics
Classification: Pathogenic for Hereditary cancer-predisposing syndrome. Last evaluated: 2023-05-14. Review status: criteria provided, single submitter. Criteria: Ambry Variant Classification Scheme 2023. Collection method: clinical testing. Allele origin: germline.
Comment: The c.1263dupT pathogenic mutation, located in coding exon 4 of the MSH6 gene, results from a duplication of T at nucleotide position 1263, causing a translational frameshift with a predicted alternate stop codon (p.D422*). This variant is considered to be rare based on population cohorts in the Genome Aggregation Database (gnomAD). This alteration is expected to result in loss of function by premature protein truncation or nonsense-mediated mRNA decay. As such, this alteration is interpreted as a disease-causing mutation.

NM_000179.3(MSH6):c.1263dup (p.Asp422Ter)

Gene: MSH6 (mutS homolog 6; plus strand). Cytogenetic location: 2p16.3.
Variant type: Duplication.
Coding change: c.1263dup on transcript NM_000179.3 (MANE Select); coding-DNA position 1263, one base duplicated (T; older notation c.1263dupT).
Protein change: p.Asp422Ter; replaces aspartic acid 422 with a stop codon.
Molecular consequence: nonsense. On other transcripts: non-coding transcript variant (4), intron variant (1), frameshift variant (1).
Genome position (GRCh38, 1-based): chr2:47,799,246, T duplicated; the last of 3 consecutive T bases (chr2:47,799,244-47,799,246); duplicating any one gives the same sequence. VCF-style (leftmost placement, unchanged base first): chr2-47799243-C-CT. GRCh37 (hg19) VCF-style: chr2-48026382-C-CT.
Other names: c.873dup, p.Asp292Ter (NM_001281492.2); c.357dup, p.Asp120Ter (NM_001281493.2, NM_001281494.2, NM_001406811.1 and 6 more transcripts); c.1359dup, p.Asp454Ter (NM_001406795.1, NM_001406802.1); c.1263dup, p.Asp422Ter (NM_001406796.1, NM_001406798.1, NM_001406800.1 and 4 more transcripts); c.966dup, p.Asp323Ter (NM_001406797.1, NM_001406801.1, NM_001406805.1 and 10 more transcripts); c.738dup, p.Asp247Ter (NM_001406799.1, NM_001406806.1, NM_001406807.1); c.1185dup, p.Asp396Ter (NM_001406804.1); c.1269dup, p.Asp424Ter (NM_001406813.1); and 3 more; short protein forms D323*, D366*, D422*, D247*, D292*, D424*, D396*, D454*.
Identifiers: ClinVar variation 2567470 (VCV002567470.2), dbSNP rs2530599851, ClinGen allele CA2580611353.